The following is an entry in ClinVar:

ClinVar aggregate classification (germline): Pathogenic/Likely pathogenic. Review status: criteria provided, multiple submitters, no conflicts (2 of 4 stars). 4 submissions from 4 submitters: Pathogenic (1); Likely pathogenic (3). Last evaluated 2025-07-17.

Conditions:
Autosomal recessive nonsyndromic hearing loss 1A (DFNB1A). Also called: GJB6-Related DFNB 1 Nonsyndromic Hearing Loss and Deafness; Deafness, autosomal recessive 1A; Deafness nonsyndromic, Connexin 26 linked; Connexin 26 deafness; Nonsyndromic Hearing Loss and Deafness, DFNB1; GJB2-Related Autosomal Recessive Nonsyndromic Hearing Loss. Identifiers: Orphanet 90636, MedGen C2673759, MONDO:0009076, OMIM 220290.
Mutilating keratoderma (VOWNKL). Also called: Keratoderma hereditarium mutilans. Identifiers: Orphanet 494, MedGen C0265964, MONDO:0007422, OMIM 124500.
Ichthyosis, hystrix-like, with hearing loss. Also called: Hystrix-like ichthyosis with deafness. Identifiers: Orphanet 477, MedGen C1865234, MONDO:0011245.
Palmoplantar keratoderma-deafness syndrome. Also called: Keratoderma palmoplantar, with deafness; Palmoplantar keratoderma and sensorineural deafness; Hereditary palmoplantar keratoderma with deafness (subtype); Focal palmoplantar keratoderma with sensorineural deafness (subtype); Diffuse palmoplantar keratoderma with deafness (subtype). Identifiers: Orphanet 2202, MedGen C1835672, MONDO:0007852, OMIM 148350.
Knuckle pads, deafness AND leukonychia syndrome. Also called: Bart-Pumphrey syndrome. Identifiers: Orphanet 2698, MedGen C0266004, MONDO:0007866, OMIM 149200.
Autosomal dominant keratitis-ichthyosis-hearing loss syndrome. Also called: HID SYNDROME; Senter syndrome; KID SYNDROME, AUTOSOMAL DOMINANT. Identifiers: Orphanet 477, MedGen C0265336, MONDO:0007850, OMIM 148210.
Autosomal dominant nonsyndromic hearing loss 3A. Identifiers: Orphanet 90635, MedGen C2675750, MONDO:0011103, OMIM 601544.
Nonsyndromic genetic hearing loss. Also called: Nonsyndromic genetic deafness; Nonsyndromic hearing loss and deafness; Non-syndromic genetic deafness. Identifiers: Orphanet 87884, MedGen C5680182, MONDO:0019497.

Submissions (4):

Natera, Inc.
Classification: Likely pathogenic for Autosomal recessive deafness type 1A. Last evaluated: 2025-07-17. Review status: criteria provided, single submitter. Criteria: Natera Variant Classification Schema (03/2026). Collection method: clinical testing. Allele origin: germline.
Comment: The c.125_127del variant in GJB2 is an in-frame deletion predicted to remove glutamic acid at amino acid 42 while preserving the reading frame. This variant is rare in the general population with a frequency below the threshold expected for the associated phenotype(s). This variant has been confirmed as or assumed to be a de novo occurrence in one or more affected individuals (PMID: 11493646). This variant results in a change to the protein length while preserving reading frame, which may disrupt normal protein structure or function. Computational prediction algorithms indicate this variant is likely to affect gene or protein function. Given the available evidence, this variant is classified as Likely Pathogenic.

Women's Health and Genetics/Laboratory Corporation of America, LabCorp
Classification: Likely pathogenic for Nonsyndromic genetic hearing loss. Last evaluated: 2024-05-23. Review status: criteria provided, single submitter. Criteria: LabCorp Variant Classification Summary - May 2015. Collection method: clinical testing. Allele origin: germline.
Comment: Variant summary: GJB2 c.125_127delAGG (p.Glu42del) results in an in-frame deletion that is predicted to remove one amino acid from the encoded protein. The variant was absent in 250706 control chromosomes. c.125_127delAGG has been reported in the literature in two individuals affected with hearing impairment and palmoplantar keratoderma (Rouan_2001). These data indicate that the variant may be associated with disease. At least one publication reports experimental evidence evaluating an impact on protein function. The most pronounced variant effect results in diminished normal activity and normal intercellular coupling in vitro (Rouan_2001). The following publication has been ascertained in the context of this evaluation (PMID: 11493646). ClinVar contains an entry for this variant (Variation ID: 590775). Based on the evidence outlined above, the variant was classified as likely pathogenic.

Fulgent Genetics
Classification: Likely pathogenic for Mutilating keratoderma; Autosomal dominant keratitis-ichthyosis-hearing loss syndrome; Palmoplantar keratoderma-deafness syndrome; Knuckle pads, deafness AND leukonychia syndrome; Autosomal recessive nonsyndromic hearing loss 1A; Autosomal dominant nonsyndromic hearing loss 3A. Last evaluated: 2024-05-18. Review status: criteria provided, single submitter. Criteria: ACMG Guidelines, 2015. Collection method: clinical testing. Allele origin: germline.

Core Molecular Diagnostic Lab, McGill University Health Centre
Classification: Pathogenic for Autosomal dominant nonsyndromic hearing loss 3A. Last evaluated: 2018-11-13. Review status: criteria provided, single submitter. Criteria: ACMG Guidelines, 2015. Collection method: clinical testing. Allele origin: germline. Inheritance: Autosomal dominant inheritance. Affected: yes. Observed: 1 variant allele, 1 heterozygote.

Literature cited by the submitters: PubMed 11493646 (cited by Natera, Inc. and Women's Health and Genetics/Laboratory Corporation of America, LabCorp).

NM_004004.6(GJB2):c.122AGG[1] (p.Glu42del)

Gene: GJB2 (gap junction protein beta 2; minus strand). Cytogenetic location: 13q12.11.
Variant type: Microsatellite.
Coding change: c.122AGG[1] on transcript NM_004004.6 (MANE Select); one copy of the 3-base unit AGG starting at c.122; the reference has two copies in a row; one copy, 3 bases deleted; also written c.125_127del.
Protein change: p.Glu42del; deletes glutamic acid 42.
Molecular consequence: inframe deletion.
Genome position (GRCh38, 1-based): chr13:20,189,455-20,189,457, CCT deleted on the plus strand (AGG on the coding strand, the reverse complement: GJB2 is on the minus strand); deleting any 3 consecutive bases within chr13:20,189,455-20,189,460 gives the same sequence; the position shown is the placement nearest the transcript's 3' end. VCF-style (leftmost placement, unchanged base first): chr13-20189454-ACCT-A. GRCh37 (hg19) VCF-style: chr13-20763593-ACCT-A.
Other names: c.125_127del (NM_004004.5, NM_004004.6); c.125_127delAGG (NM_004004.6); short protein forms E42del.
Identifiers: ClinVar variation 590775 (VCV000590775.5), dbSNP rs1566528901, ClinGen allele CA658795176.
Genomic context (GRCh38, chr13:20,189,454, plus strand): 5'-ACGTTCTTGCAGCCTGGCTGCAGGGTGTTGCAGACAAAGTCGGCCTGCTCATCTCCCCAC[ACCT>A]CCTTTGCAGCCACAACGAGGATCATAATGCGAAAAATGAAGAGGACGGTGAGCCAGATCT-3'